The following is an entry in ClinVar:

ClinVar aggregate classification (germline): Pathogenic. Review status: criteria provided, multiple submitters, no conflicts (2 of 4 stars). 2 submissions from 2 submitters: Pathogenic (2). Last evaluated 2024-06-04.

Conditions:
Creatine transporter deficiency (CCDS1). Also called: Creatine Transporter (CRTR) Deficiency; Mental retardation , X-linked with seizures, short stature and midface hypoplasia; Mental retardation , X-linked, with creatine transport deficiency; X-linked creatine transporter deficiency; X-linked creatine deficiency syndrome; SLC6A8-Related Creatine Transporter Deficiency. Identifiers: Orphanet 52503, MedGen C1845862, MONDO:0010305, OMIM 300352.

Submissions (2):

GeneDx
Classification: Pathogenic. Last evaluated: 2024-06-04. Review status: criteria provided, single submitter. Criteria: GeneDx Variant Classification Process June 2021. Collection method: clinical testing. Allele origin: germline. Affected: yes.
Comment: Frameshift variant predicted to result in protein truncation or nonsense mediated decay in a gene for which loss of function is a known mechanism of disease; Not observed at significant frequency in large population cohorts (gnomAD); This variant is associated with the following publications: (PMID: 36344539)

Department of Genetics, Sultan Qaboos University Hospital
Classification: Pathogenic for Cerebral creatine deficiency syndrome 1. Last evaluated: 2022-06-30. Review status: criteria provided, single submitter. Criteria: ACMG Guidelines, 2015. Collection method: clinical testing. Allele origin: germline.

NM_005629.4(SLC6A8):c.1340_1341del (p.Val447fs)

Gene: SLC6A8 (solute carrier family 6 member 8; plus strand). Cytogenetic location: Xq28.
Variant type: Microsatellite.
Coding change: c.1340_1341del on transcript NM_005629.4 (MANE Select); coding-DNA positions 1340 to 1341, 2 bases deleted (TG; older notation c.1340_1341delTG).
Protein change: p.Val447fs; shifts the reading frame from valine 447.
Molecular consequence: frameshift variant.
Genome position (GRCh38, 1-based): chrX:153,694,215-153,694,216, TG deleted; deleting any 2 consecutive bases within chrX:153,694,213-153,694,216 gives the same sequence; the c. name uses the placement nearest the transcript's 3' end. VCF-style (leftmost placement, unchanged base first): chrX-153694212-CTG-C. GRCh37 (hg19) VCF-style: chrX-152959667-CTG-C.
Other names: c.1340_1341del (NM_005629.3); c.1310_1311del, p.Val437fs (NM_001142805.2); c.995_996del, p.Val332fs (NM_001142806.1); short protein forms V332fs, V437fs, V447fs.
Identifiers: ClinVar variation 1706458 (VCV001706458.3), dbSNP rs2522166584, ClinGen allele CA2580612309.